The following is an entry in ClinVar:

NM_000257.4(MYH7):c.2330G>A (p.Arg777Lys)

Genes: MYH7 (myosin heavy chain 7; minus strand), LOC126861898 (BRD4-independent group 4 enhancer GRCh37_chr14:23893609-23894808; plus strand). Cytogenetic location: 14q11.2.
Variant type: single nucleotide variant.
Coding change: c.2330G>A on transcript NM_000257.4 (MANE Select); coding-DNA position 2330, G replaced by A.
Protein change: p.Arg777Lys; replaces arginine 777 with lysine.
Molecular consequence: missense variant.
Genome position (GRCh38, 1-based): chr14:23,425,375, C>T on the plus strand (G>A on the coding strand, the complement: MYH7 is on the minus strand). VCF-style: chr14-23425375-C-T. GRCh37 (hg19) VCF-style: chr14-23894584-C-T.
Other names: c.2330G>A (NM_000257.2); short protein forms R777K.
Identifiers: ClinVar variation 1425611 (VCV001425611.10), dbSNP rs2138667239, ClinGen allele CA389048636.

ClinVar aggregate classification (germline): Conflicting classifications of pathogenicity. Review status: criteria provided, conflicting classifications (1 of 4 stars). 2 submissions from 2 submitters: Pathogenic (1); Uncertain significance (1). Last evaluated 2026-04-25.

Conditions:
Hypertrophic cardiomyopathy. Also called: HYPERTROPHIC MYOCARDIOPATHY. Identifiers: Orphanet 217569, MedGen C0007194, MeSH D002312, MONDO:0005045, HP:0001639.

Submissions (2):

GeneDx
Classification: Pathogenic. Last evaluated: 2026-04-25. Review status: criteria provided, single submitter. Criteria: GeneDx Variant Classification Process June 2021. Collection method: clinical testing. Allele origin: germline.
Comment: Identified in probands with either dilated cardiomyopathy or left ventricular noncompaction from large cohort studies, but detailed clinical information and familial segregation information were not provided (PMID: 29892087, 33500567); Not observed at significant frequency in large population cohorts (gnomAD); In silico analysis supports that this missense variant has a deleterious effect on protein structure/function; This variant is associated with the following publications: (PMID: 29892087, 33500567, 36307859, 27532257, 29300372, Burykina2026[CaseReport])

Labcorp Genetics (formerly Invitae), Labcorp
Classification: Uncertain significance for Hypertrophic cardiomyopathy. Last evaluated: 2024-03-30. Review status: criteria provided, single submitter. Criteria: Invitae Variant Classification Sherloc (09022015). Collection method: clinical testing. Allele origin: germline.
Comment: This sequence change replaces arginine, which is basic and polar, with lysine, which is basic and polar, at codon 777 of the MYH7 protein (p.Arg777Lys). This variant is not present in population databases (gnomAD no frequency). This missense change has been observed in individual(s) with dilated cardiomyopathy (PMID: 29892087, 33500567, 36307859). ClinVar contains an entry for this variant (Variation ID: 1425611). Advanced modeling of protein sequence and biophysical properties (such as structural, functional, and spatial information, amino acid conservation, physicochemical variation, residue mobility, and thermodynamic stability) performed at Invitae indicates that this missense variant is expected to disrupt MYH7 protein function with a positive predictive value of 95%. In summary, the available evidence is currently insufficient to determine the role of this variant in disease. Therefore, it has been classified as a Variant of Uncertain Significance.

Literature cited by the submitters: PubMed 29892087 (cited by Labcorp Genetics (formerly Invitae), Labcorp); PubMed 33500567 (cited by Labcorp Genetics (formerly Invitae), Labcorp); PubMed 36307859 (cited by Labcorp Genetics (formerly Invitae), Labcorp).